The following is an entry in ClinVar:

ClinVar aggregate classification (germline): Uncertain significance. Review status: criteria provided, multiple submitters, no conflicts (2 of 4 stars). 2 submissions from 2 submitters: Uncertain significance (2). Last evaluated 2024-10-24.

Conditions:
Myasthenic syndrome, congenital, 22 (CMS22). Also called: PREPL DEFICIENCY. Identifiers: MedGen C4479088, MONDO:0044299, OMIM 616224.
Inborn genetic diseases. Identifiers: MedGen C0950123, MeSH D030342.

Allele frequency attached by ClinVar (database versions not stated): gnomAD exomes 0.00001; ExAC 0.00001; gnomAD 0.00001; TOPMed 0.00002.
gnomAD v4.1: 18 of 1,614,076 alleles (0.0011%); highest among the groups gnomAD compares: Non-Finnish European, 0.0014%; no homozygotes.

Submissions (2):

Ambry Genetics
Classification: Uncertain significance for Inborn genetic diseases. Last evaluated: 2024-10-24. Review status: criteria provided, single submitter. Criteria: Ambry Variant Classification Scheme 2023. Collection method: clinical testing. Allele origin: germline.

Labcorp Genetics (formerly Invitae), Labcorp
Classification: Uncertain significance for Myasthenic syndrome, congenital, 22. Last evaluated: 2022-07-05. Review status: criteria provided, single submitter. Criteria: Invitae Variant Classification Sherloc (09022015). Collection method: clinical testing. Allele origin: germline.
Comment: This sequence change replaces glutamine, which is neutral and polar, with histidine, which is basic and polar, at codon 545 of the PREPL protein (p.Gln545His). This variant is present in population databases (rs760125213, gnomAD 0.007%). This variant has not been reported in the literature in individuals affected with PREPL-related conditions. ClinVar contains an entry for this variant (Variation ID: 963012). Algorithms developed to predict the effect of missense changes on protein structure and function (SIFT, PolyPhen-2, Align-GVGD) all suggest that this variant is likely to be tolerated. In summary, the available evidence is currently insufficient to determine the role of this variant in disease. Therefore, it has been classified as a Variant of Uncertain Significance.

NM_001171613.2(PREPL):c.1368A>C (p.Gln456His)

Gene: PREPL (prolyl endopeptidase like; minus strand). Cytogenetic location: 2p21.
Variant type: single nucleotide variant.
Coding change: c.1368A>C on transcript NM_001171613.2 (MANE Select); coding-DNA position 1368, A replaced by C.
Protein change: p.Gln456His; replaces glutamine 456 with histidine.
Molecular consequence: missense variant.
Genome position (GRCh38, 1-based): chr2:44,326,823, T>G on the plus strand (A>C on the coding strand, the complement: PREPL is on the minus strand). VCF-style: chr2-44326823-T-G. GRCh37 (hg19) VCF-style: chr2-44553962-T-G.
Other names: c.1635A>C, p.Gln545His (NM_006036.4, NM_001171603.1, NM_001171606.2 and 2 more transcripts); c.1449A>C, p.Gln483His (NM_001042385.2); c.1437A>C, p.Gln479His (NM_001042386.2); c.1368A>C, p.Gln456His (NM_001171617.1, NM_001374277.1); short protein forms Q456H, Q479H, Q483H, Q545H.
Identifiers: ClinVar variation 963012 (VCV000963012.6), dbSNP rs760125213, ClinGen allele CA1641134.
Genomic context (GRCh38, chr2:44,326,823, plus strand): 5'-TGCAAGCACCCCTCCAGCACTGAAAGCAGTCAGGGTTGTTAGACTTGGCTGAGAAAAGCC[T>G]TGGCCATGAAGCGTCTTAATGCAAGCCTCTAAATCAGCAAGGCCATTGAGTTTTTTAGTT-3'
Protein context (NP_001165084.1, residues 446-466): LEACIKTLHG[Gln456His]GFSQPSLTTL